The following is an entry in ClinVar:

NM_000135.4(FANCA):c.1313C>T (p.Ala438Val)

Gene: FANCA (FA complementation group A; minus strand). Cytogenetic location: 16q24.3.
Variant type: single nucleotide variant.
Coding change: c.1313C>T on transcript NM_000135.4 (MANE Select); coding-DNA position 1313, C replaced by T.
Protein change: p.Ala438Val; replaces alanine 438 with valine.
Molecular consequence: missense variant.
Genome position (GRCh38, 1-based): chr16:89,791,449, G>A on the plus strand (C>T on the coding strand, the complement: FANCA is on the minus strand). VCF-style: chr16-89791449-G-A. GRCh37 (hg19) VCF-style: chr16-89857857-G-A.
Other names: c.1313C>T, p.Ala438Val (NM_001286167.3); short protein forms A438V.
Identifiers: ClinVar variation 2557684 (VCV002557684.3), dbSNP rs376882580, ClinGen allele CA286592079.

ClinVar aggregate classification (germline): Uncertain significance (1 of 4 stars; one submission).

Conditions:
Inborn genetic diseases. Identifiers: MedGen C0950123, MeSH D030342.

Allele frequency attached by ClinVar (database versions not stated): gnomAD exomes 0.00001; TOPMed 0.00001; ESP Exome Variant Server 0.00008.
gnomAD v4.1: 10 of 1,614,106 alleles (0.00062%); highest among the groups gnomAD compares: Non-Finnish European, 0.00085%; no homozygotes.

Submission:

Ambry Genetics
Classification: Uncertain significance for Inborn genetic diseases. Last evaluated: 2024-12-20. Review status: criteria provided, single submitter. Criteria: Ambry Variant Classification Scheme 2023. Collection method: clinical testing. Allele origin: germline.
Comment: The p.A438V variant (also known as c.1313C>T), located in coding exon 14 of the FANCA gene, results from a C to T substitution at nucleotide position 1313. The alanine at codon 438 is replaced by valine, an amino acid with similar properties. This amino acid position is conserved. In addition, this alteration is predicted to be deleterious by in silico analysis. Based on the available evidence, the clinical significance of this variant remains unclear.